The following is an entry in ClinVar:

ClinVar aggregate classification (germline): Uncertain significance (1 of 4 stars; one submission).

Submission:

Labcorp Genetics (formerly Invitae), Labcorp
Classification: Uncertain significance. Last evaluated: 2022-03-06. Review status: criteria provided, single submitter. Criteria: Invitae Variant Classification Sherloc (09022015). Collection method: clinical testing. Allele origin: germline.
Comment: In summary, the available evidence is currently insufficient to determine the role of this variant in disease. Therefore, it has been classified as a Variant of Uncertain Significance. Algorithms developed to predict the effect of missense changes on protein structure and function are either unavailable or do not agree on the potential impact of this missense change (SIFT: "Not Available"; PolyPhen-2: "Benign"; Align-GVGD: "Not Available"). This variant has not been reported in the literature in individuals affected with COL11A2-related conditions. Information on the frequency of this variant in the gnomAD database is not available, as this variant may be reported differently in the database. This sequence change replaces glutamic acid, which is acidic and polar, with arginine, which is basic and polar, at codon 276 of the COL11A2 protein (p.Glu276Arg).

NM_080680.3(COL11A2):c.826_827delinsAG (p.Glu276Arg)

Gene: COL11A2 (collagen type XI alpha 2 chain; minus strand). Cytogenetic location: 6p21.32.
Variant type: Indel.
Coding change: c.826_827delinsAG on transcript NM_080680.3 (MANE Select); coding-DNA positions 826 to 827, GA replaced by AG.
Protein change: p.Glu276Arg; replaces glutamic acid 276 with arginine.
Molecular consequence: missense variant. On other transcripts: intron variant (2).
Genome position (GRCh38, 1-based): chr6:33,185,750-33,185,751, TC replaced by CT on the plus strand (GA replaced by AG on the coding strand, the reverse complement: COL11A2 is on the minus strand). VCF-style: chr6-33185750-TC-CT. GRCh37 (hg19) VCF-style: chr6-33153527-TC-CT.
Other names: c.798+876_798+877delinsAG (NM_080679.3); c.799-697_799-696delinsAG (NM_080681.3); short protein forms E276R.
Identifiers: ClinVar variation 2107477 (VCV002107477.4), dbSNP rs2535478549, ClinGen allele CA2580074335.